The following is an entry in ClinVar:

NM_001372.4(DNAH9):c.10243-6C>T

Genes: DNAH9 (dynein axonemal heavy chain 9; plus strand), LOC101928350 (uncharacterized LOC101928350; minus strand). Cytogenetic location: 17p12.
Variant type: single nucleotide variant.
Coding change: c.10243-6C>T on transcript NM_001372.4 (MANE Select); 6 bases into the intron before coding-DNA position 10243, C replaced by T.
Molecular consequence: intron variant.
Genome position (GRCh38, 1-based): chr17:11,874,943, C>T. VCF-style: chr17-11874943-C-T. GRCh37 (hg19) VCF-style: chr17-11778260-C-T.
Other names: c.10243-6C>T (NM_001372.3).
Identifiers: ClinVar variation 2184088 (VCV002184088.5), dbSNP rs375903506, ClinGen allele CA8397462.

ClinVar aggregate classification (germline): Likely benign. Review status: criteria provided, multiple submitters, no conflicts (2 of 4 stars). 2 submissions from 2 submitters: Likely benign (2). Last evaluated 2026-08-20.

Conditions:
DNAH9-related disorder. Also called: DNAH9-related condition.

Allele frequency attached by ClinVar (database versions not stated): gnomAD 0.00004; gnomAD exomes 0.00005; TOPMed 0.00005; ExAC 0.00006; ESP Exome Variant Server 0.00015.
gnomAD v4.1: 84 of 1,607,804 alleles (0.0052%); highest among the groups gnomAD compares: Non-Finnish European, 0.0066%; no homozygotes.

Submissions (2):

PreventionGenetics, part of Exact Sciences
Classification: Likely benign for DNAH9-related condition. Last evaluated: 2026-08-20. Review status: criteria provided, single submitter. Criteria: ACMG Guidelines, 2015. Collection method: clinical testing. Allele origin: germline.
Comment: This variant is classified as likely benign based on ACMG/AMP sequence variant interpretation guidelines (Richards et al. 2015 PMID: 25741868, with internal and published modifications).

Labcorp Genetics (formerly Invitae), Labcorp
Classification: Likely benign. Last evaluated: 2026-01-27. Review status: criteria provided, single submitter. Criteria: Invitae Variant Classification Sherloc (09022015). Collection method: clinical testing. Allele origin: germline.